The following is an entry in ClinVar:

NM_001267550.2(TTN):c.104081C>G (p.Ser34694Ter)

Genes: TTN (titin; minus strand), TTN-AS1 (TTN antisense RNA 1; plus strand). Cytogenetic location: 2q31.2.
Variant type: single nucleotide variant.
Coding change: c.104081C>G on transcript NM_001267550.2 (MANE Select); coding-DNA position 104081, C replaced by G.
Protein change: p.Ser34694Ter; replaces serine 34694 with a stop codon.
Molecular consequence: nonsense.
Genome position (GRCh38, 1-based): chr2:178,532,534, G>C on the plus strand (C>G on the coding strand, the complement: TTN is on the minus strand). VCF-style: chr2-178532534-G-C. GRCh37 (hg19) VCF-style: chr2-179397261-G-C.
Other names: c.99158C>G, p.Ser33053Ter (NM_001256850.1); c.76886C>G, p.Ser25629Ter (NM_003319.4); c.96377C>G, p.Ser32126Ter (NM_133378.4); c.77261C>G, p.Ser25754Ter (NM_133432.3); c.77462C>G, p.Ser25821Ter (NM_133437.4); short protein forms S33053*, S32126*, S34694*, S25754*, S25629*, S25821*.
Identifiers: ClinVar variation 285995 (VCV000285995.8), dbSNP rs886043279, ClinGen allele CA10605328.

ClinVar aggregate classification (germline): Conflicting classifications of pathogenicity. Review status: criteria provided, conflicting classifications (1 of 4 stars). 2 submissions from 2 submitters: Likely pathogenic (1); Uncertain significance (1). Last evaluated 2023-12-27.

Conditions:
Dilated cardiomyopathy 1G (CMD1G). Identifiers: Orphanet 154, MedGen C1858763, MONDO:0011400, OMIM 604145.
Autosomal recessive limb-girdle muscular dystrophy type 2J (LGMDR10). Also called: Limb-girdle muscular dystrophy, type 2J; MUSCULAR DYSTROPHY, LIMB-GIRDLE, AUTOSOMAL RECESSIVE 10. Identifiers: Orphanet 140922, MedGen C1837342, MONDO:0012127, OMIM 608807.

Submissions (2):

Labcorp Genetics (formerly Invitae), Labcorp
Classification: Likely pathogenic for Dilated cardiomyopathy 1G; Autosomal recessive limb-girdle muscular dystrophy type 2J. Last evaluated: 2023-12-27. Review status: criteria provided, single submitter. Criteria: Invitae Variant Classification Sherloc (09022015). Collection method: clinical testing. Allele origin: germline.
Comment: This sequence change creates a premature translational stop signal (p.Ser34694*) in the TTN gene. While this is not anticipated to result in nonsense mediated decay, it is expected to create a truncated TTN protein. This variant is not present in population databases (gnomAD no frequency). This variant has not been reported in the literature in individuals affected with TTN-related conditions. ClinVar contains an entry for this variant (Variation ID: 285995). This variant is located in the M band of TTN (PMID: 25589632). Truncating variants in this region have been previously reported in individuals affected with autosomal recessive myopathy and muscular dystrophy (PMID: 18948003, 23975875, 24395473). Truncating variants in this region have also been identified in individuals affected with autosomal dominant dilated cardiomyopathy and/or cardio-related conditions (PMID: 27869827, 32964742). In summary, the currently available evidence indicates that the variant is pathogenic, but additional data are needed to prove that conclusively. Therefore, this variant has been classified as Likely Pathogenic.

Eurofins Ntd Llc (ga)
Classification: Uncertain significance. Last evaluated: 2016-02-02. Review status: criteria provided, single submitter. Criteria: EGL Classification Definitions 2015. Collection method: clinical testing. Allele origin: germline. Observed: 1 variant allele, 1 heterozygote.

Literature cited by the submitters: PubMed 25589632 (cited by Labcorp Genetics (formerly Invitae), Labcorp); PubMed 18948003 (cited by Labcorp Genetics (formerly Invitae), Labcorp); PubMed 23975875 (cited by Labcorp Genetics (formerly Invitae), Labcorp); PubMed 24395473 (cited by Labcorp Genetics (formerly Invitae), Labcorp); PubMed 27869827 (cited by Labcorp Genetics (formerly Invitae), Labcorp); PubMed 32964742 (cited by Labcorp Genetics (formerly Invitae), Labcorp).